The following is an entry in ClinVar:

NM_004329.3(BMPR1A):c.1290C>G (p.Ile430Met)

Gene: BMPR1A (bone morphogenetic protein receptor type 1A; plus strand). Cytogenetic location: 10q23.2.
Variant type: single nucleotide variant.
Coding change: c.1290C>G on transcript NM_004329.3 (MANE Select); coding-DNA position 1290, C replaced by G.
Protein change: p.Ile430Met; replaces isoleucine 430 with methionine.
Molecular consequence: missense variant.
Genome position (GRCh38, 1-based): chr10:86,921,643, C>G. VCF-style: chr10-86921643-C-G. GRCh37 (hg19) VCF-style: chr10-88681400-C-G.
Other names: c.1290C>G, p.Ile430Met (NM_001406568.1, NM_001406569.1, NM_001406570.1 and 19 more transcripts); c.1365C>G, p.Ile455Met (NM_001406559.1); c.1338C>G, p.Ile446Met (NM_001406560.1); c.1284C>G, p.Ile428Met (NM_001406583.1); c.1206C>G, p.Ile402Met (NM_001406584.1, NM_001406585.1, NM_001406586.1 and 2 more transcripts); c.948C>G, p.Ile316Met (NM_001406589.1); short protein forms I316M, I430M, I428M, I402M, I446M, I455M.
Identifiers: ClinVar variation 1769088 (VCV001769088.5), dbSNP rs2133608002, ClinGen allele CA377462256.

ClinVar aggregate classification (germline): Uncertain significance. Review status: criteria provided, multiple submitters, no conflicts (2 of 4 stars). 2 submissions from 2 submitters: Uncertain significance (2). Last evaluated 2023-12-29.

Conditions:
Juvenile polyposis syndrome (JPS). Identifiers: Orphanet 2929, MedGen C0345893, MONDO:0017380, OMIM 174900.
Hereditary cancer-predisposing syndrome. Also called: Tumor predisposition; Neoplastic Syndromes, Hereditary; Hereditary Cancer Syndrome; Hereditary neoplastic syndrome. Identifiers: Orphanet 140162, MedGen C0027672, MeSH D009386, MONDO:0015356.

Submissions (2):

Labcorp Genetics (formerly Invitae), Labcorp
Classification: Uncertain significance for Juvenile polyposis syndrome. Last evaluated: 2023-12-29. Review status: criteria provided, single submitter. Criteria: Invitae Variant Classification Sherloc (09022015). Collection method: clinical testing. Allele origin: germline.
Comment: This sequence change replaces isoleucine, which is neutral and non-polar, with methionine, which is neutral and non-polar, at codon 430 of the BMPR1A protein (p.Ile430Met). This variant is not present in population databases (gnomAD no frequency). This variant has not been reported in the literature in individuals affected with BMPR1A-related conditions. ClinVar contains an entry for this variant (Variation ID: 1769088). Advanced modeling of protein sequence and biophysical properties (such as structural, functional, and spatial information, amino acid conservation, physicochemical variation, residue mobility, and thermodynamic stability) performed at Invitae indicates that this missense variant is not expected to disrupt BMPR1A protein function with a negative predictive value of 80%. In summary, the available evidence is currently insufficient to determine the role of this variant in disease. Therefore, it has been classified as a Variant of Uncertain Significance.

Ambry Genetics
Classification: Uncertain significance for Hereditary cancer-predisposing syndrome. Last evaluated: 2021-04-26. Review status: criteria provided, single submitter. Criteria: Ambry Variant Classification Scheme 2023. Collection method: clinical testing. Allele origin: germline.
Comment: The p.I430M variant (also known as c.1290C>G), located in coding exon 9 of the BMPR1A gene, results from a C to G substitution at nucleotide position 1290. The isoleucine at codon 430 is replaced by methionine, an amino acid with highly similar properties. This amino acid position is well conserved in available vertebrate species. In addition, the in silico prediction for this alteration is inconclusive. Since supporting evidence is limited at this time, the clinical significance of this alteration remains unclear.